The following is an entry in ClinVar:

NM_004415.4(DSP):c.171-285A>G

Gene: DSP (desmoplakin; plus strand). Cytogenetic location: 6p24.3.
Variant type: single nucleotide variant.
Coding change: c.171-285A>G on transcript NM_004415.4 (MANE Select); 285 bases into the intron before coding-DNA position 171, A replaced by G.
Molecular consequence: intron variant.
Genome position (GRCh38, 1-based): chr6:7,555,433, A>G. VCF-style: chr6-7555433-A-G. GRCh37 (hg19) VCF-style: chr6-7555666-A-G.
Other names: c.171-285A>G (NM_001319034.2, NM_001008844.3).
Identifiers: ClinVar variation 683487 (VCV000683487.1), dbSNP rs2076294, ClinGen allele CA15480125.

ClinVar aggregate classification (germline): Benign (1 of 4 stars; one submission).

Allele frequency attached by ClinVar (database versions not stated): gnomAD 0.32272 and 0.32645; TOPMed 0.33329; 1000 Genomes Project 0.33546; 1000 Genomes Project 30x 0.33932.

Submission:

GeneDx
Classification: Benign. Last evaluated: 2018-06-18. Review status: criteria provided, single submitter. Criteria: GeneDx Variant Classification (06012015). Collection method: clinical testing. Allele origin: germline. Affected: yes.
Comment: This variant is considered likely benign or benign based on one or more of the following criteria: it is a conservative change, it occurs at a poorly conserved position in the protein, it is predicted to be benign by multiple in silico algorithms, and/or has population frequency not consistent with disease.